The following is an entry in ClinVar:

NM_021785.6(RAI2):c.712G>A (p.Val238Ile)

Gene: RAI2 (retinoic acid induced 2; minus strand). Cytogenetic location: Xp22.13.
Variant type: single nucleotide variant.
Coding change: c.712G>A on transcript NM_021785.6 (MANE Select); coding-DNA position 712, G replaced by A.
Protein change: p.Val238Ile; replaces valine 238 with isoleucine.
Molecular consequence: missense variant. On other transcripts: non-coding transcript variant (2).
Genome position (GRCh38, 1-based): chrX:17,801,299, C>T on the plus strand (G>A on the coding strand, the complement: RAI2 is on the minus strand). VCF-style: chrX-17801299-C-T. GRCh37 (hg19) VCF-style: chrX-17819419-C-T.
Other names: c.562G>A, p.Val188Ile (NM_001172732.2); c.712G>A, p.Val238Ile (NM_001172739.2, NM_001172743.2); short protein forms V238I, V188I.
Identifiers: ClinVar variation 545561 (VCV000545561.2), dbSNP rs1208705303, ClinGen allele CA412487001.

ClinVar aggregate classification (germline): Uncertain significance (0 of 4 stars; one submission).

Conditions:
Dextrocardia. Identifiers: Orphanet 1666, MedGen C0011813, MONDO:0015661, HP:0001651.

Allele frequency attached by ClinVar (database versions not stated): TOPMed 0.00005; gnomAD 0.00010 and 0.00003; gnomAD exomes 0.00001.
gnomAD v4.1: 14 of 1,176,611 alleles (0.0012%); highest among the groups gnomAD compares: Admixed American, 0.0047%; no homozygotes.

Submission:

Lupski Lab, Baylor-Hopkins CMG, Baylor College of Medicine
Classification: Uncertain significance for Dextrocardia. Last evaluated: 2018-05-28. Review status: no assertion criteria provided. Collection method: research. Allele origin: germline. Affected: yes. Observed: 1 variant allele.
Comment: This gene has not been previously associated with human disease.